The following is an entry in ClinVar:

ClinVar aggregate classification (germline): Uncertain significance (1 of 4 stars; one submission).

Conditions:
Early-infantile DEE. Also called: Early infantile epileptic encephalopathy; Ohtahara syndrome; Early infantile epileptic encephalopathy with suppression bursts. Identifiers: Orphanet 1934, MedGen C0393706, MONDO:0800491.

Submission:

Labcorp Genetics (formerly Invitae), Labcorp
Classification: Uncertain significance for Early-infantile DEE. Last evaluated: 2017-05-26. Review status: criteria provided, single submitter. Criteria: Invitae Variant Classification Sherloc (09022015). Collection method: clinical testing. Allele origin: germline.
Comment: This sequence change replaces proline with arginine at codon 413 of the KCNQ2 protein (p.Pro413Arg). The proline residue is highly conserved and there is a moderate physicochemical difference between proline and arginine. This variant is not present in population databases (ExAC no frequency). This variant has not been reported in the literature in individuals with a KCNQ2-related disease. Algorithms developed to predict the effect of missense changes on protein structure and function do not agree on the potential impact of this missense change (SIFT: "Tolerated"; PolyPhen-2: "Possibly Damaging"; Align-GVGD: "Class C0"). In summary, this variant has uncertain impact on KCNQ2 function. The available evidence is currently insufficient to determine its role in disease. Therefore, it has been classified as a Variant of Uncertain Significance.

NM_172107.4(KCNQ2):c.1238C>G (p.Pro413Arg)

Gene: KCNQ2 (potassium voltage-gated channel subfamily Q member 2; minus strand). Cytogenetic location: 20q13.33.
Variant type: single nucleotide variant.
Coding change: c.1238C>G on transcript NM_172107.4 (MANE Select); coding-DNA position 1238, C replaced by G.
Protein change: p.Pro413Arg; replaces proline 413 with arginine.
Molecular consequence: missense variant.
Genome position (GRCh38, 1-based): chr20:63,424,186, G>C on the plus strand (C>G on the coding strand, the complement: KCNQ2 is on the minus strand). VCF-style: chr20-63424186-G-C. GRCh37 (hg19) VCF-style: chr20-62055539-G-C.
Other names: c.1208C>G, p.Pro403Arg (NM_004518.6); c.1238C>G, p.Pro413Arg (NM_172106.3, NM_172108.5); short protein forms P413R, P403R.
Identifiers: ClinVar variation 461405 (VCV000461405.9), dbSNP rs1270343938, ClinGen allele CA409649190.